The following is an entry in ClinVar:

NM_000179.3(MSH6):c.2430_2440del (p.Leu811fs)

Gene: MSH6 (mutS homolog 6; plus strand). Cytogenetic location: 2p16.3.
Variant type: Deletion.
Coding change: c.2430_2440del on transcript NM_000179.3 (MANE Select); coding-DNA positions 2430 to 2440, 11 bases deleted (GCTTCTAAAGA).
Protein change: p.Leu811fs; shifts the reading frame from leucine 811.
Molecular consequence: frameshift variant.
Genome position (GRCh38, 1-based): chr2:47,800,413-47,800,423, GCTTCTAAAGA deleted; deleting any 11 consecutive bases within chr2:47,800,410-47,800,423 gives the same sequence; the c. name uses the placement nearest the transcript's 3' end. VCF-style (leftmost placement, unchanged base first): chr2-47800409-TAGAGCTTCTAA-T. GRCh37 (hg19) VCF-style: chr2-48027548-TAGAGCTTCTAA-T.
Other names: c.2040_2050del, p.Leu681fs (NM_001281492.2); c.1524_1534del, p.Leu509fs (NM_001281493.2, NM_001281494.2); short protein forms L509fs, L681fs, L811fs.
Identifiers: ClinVar variation 821265 (VCV000821265.4), dbSNP rs1572727163, ClinGen allele CA915943931.

ClinVar aggregate classification (germline): Pathogenic (1 of 4 stars; one submission).

Conditions:
Hereditary cancer-predisposing syndrome. Also called: Neoplastic Syndromes, Hereditary; Tumor predisposition; Hereditary Cancer Syndrome; Hereditary neoplastic syndrome. Identifiers: Orphanet 140162, MedGen C0027672, MeSH D009386, MONDO:0015356.

Submission:

Ambry Genetics
Classification: Pathogenic for Hereditary cancer-predisposing syndrome. Last evaluated: 2018-11-23. Review status: criteria provided, single submitter. Criteria: Ambry Variant Classification Scheme 2023. Collection method: clinical testing. Allele origin: germline.
Comment: The c.2430_2440del11 pathogenic mutation, located in coding exon 4 of the MSH6 gene, results from a deletion of 11 nucleotides at nucleotide positions 2430 to 2440, causing a translational frameshift with a predicted alternate stop codon (p.L811Afs*5). This alteration is expected to result in loss of function by premature protein truncation or nonsense-mediated mRNA decay. As such, this alteration is interpreted as a disease-causing mutation.